The following is an entry in ClinVar:

NM_022124.6(CDH23):c.7872+6C>A

Gene: CDH23 (cadherin related 23; plus strand). Cytogenetic location: 10q22.1.
Variant type: single nucleotide variant.
Coding change: c.7872+6C>A on transcript NM_022124.6 (MANE Select); 6 bases into the intron after coding-DNA position 7872, C replaced by A.
Molecular consequence: intron variant.
Genome position (GRCh38, 1-based): chr10:71,803,426, C>A. VCF-style: chr10-71803426-C-A. GRCh37 (hg19) VCF-style: chr10-73563183-C-A.
Other names: c.1152+6C>A (NM_001171933.1, NM_001171934.1).
Identifiers: ClinVar variation 1346360 (VCV001346360.4), dbSNP rs1841617462, ClinGen allele CA1918880637.
Genomic context (GRCh38, chr10:71,803,426, plus strand): 5'-CAACCGCCCTGTCTTTGTGCGCCCACCCAACGGCACCATCCTCCACATCAGAGAGGTACT[C>A]CTGCCCCGAGGGCCTCCTGCCCACCAGTATTTCCTTCTTCCAGCTGTGGCCTAGAAGAGT-3'

ClinVar aggregate classification (germline): Uncertain significance (1 of 4 stars; one submission).

Allele frequency attached by ClinVar (database versions not stated): TOPMed below 0.00001.

Submission:

Labcorp Genetics (formerly Invitae), Labcorp
Classification: Uncertain significance. Last evaluated: 2022-08-31. Review status: criteria provided, single submitter. Criteria: Invitae Variant Classification Sherloc (09022015). Collection method: clinical testing. Allele origin: germline.
Comment: This variant is not present in population databases (gnomAD no frequency). In summary, the available evidence is currently insufficient to determine the role of this variant in disease. Therefore, it has been classified as a Variant of Uncertain Significance. Variants that disrupt the consensus splice site are a relatively common cause of aberrant splicing (PMID: 17576681, 9536098). Algorithms developed to predict the effect of sequence changes on RNA splicing suggest that this variant is not likely to affect RNA splicing. ClinVar contains an entry for this variant (Variation ID: 1346360). This variant has not been reported in the literature in individuals affected with CDH23-related conditions. This sequence change falls in intron 55 of the CDH23 gene. It does not directly change the encoded amino acid sequence of the CDH23 protein. It affects a nucleotide within the consensus splice site.

Literature cited by the submitters: PubMed 17576681; PubMed 9536098.